The following is an entry in ClinVar:

ClinVar aggregate classification (germline): Likely benign (1 of 4 stars; one submission).

gnomAD v4.1: 294 of 1,613,310 alleles (0.018%); highest among the groups gnomAD compares: African/African-American, 0.35%; no homozygotes.

Submission:

Molecular Diagnostic Laboratory for Inherited Cardiovascular Disease, Montreal Heart Institute
Classification: Likely benign. Last evaluated: 2026-03-27. Review status: criteria provided, single submitter. Criteria: ACMG Guidelines, 2015. Collection method: clinical testing. Allele origin: germline. Affected: no.
Comment: BS1, BP4

NM_001199251.3(SGO1):c.1355T>C (p.Val452Ala)

Gene: SGO1 (shugoshin 1; minus strand). Cytogenetic location: 3p24.3.
Variant type: single nucleotide variant.
Coding change: c.1355T>C on transcript NM_001199251.3 (MANE Select); coding-DNA position 1355, T replaced by C.
Protein change: p.Val452Ala; replaces valine 452 with alanine.
Molecular consequence: missense variant. On other transcripts: non-coding transcript variant (2), intron variant (1).
Genome position (GRCh38, 1-based): chr3:20,171,160, A>G on the plus strand (T>C on the coding strand, the complement: SGO1 is on the minus strand). VCF-style: chr3-20171160-A-G. GRCh37 (hg19) VCF-style: chr3-20212652-A-G.
Other names: c.599T>C, p.Val200Ala (NM_001199254.3, NM_001012411.4, NM_001012412.5 and 1 more transcripts); c.548T>C, p.Val183Ala (NM_001199255.3, NM_001199256.3, NM_138484.5 and 1 more transcripts); c.526+3845T>C (NM_001199257.3); c.1355T>C, p.Val452Ala (NM_001012409.4, NM_001012410.5, NM_001199252.3); short protein forms V183A, V200A, V452A.
Identifiers: ClinVar variation 4820435 (VCV004820435.1), dbSNP rs146108565.